The following is an entry in ClinVar:

NM_001277115.2(DNAH11):c.13420C>A (p.Gln4474Lys)

Genes: CDCA7L (cell division cycle associated 7 like; minus strand), DNAH11 (dynein axonemal heavy chain 11; plus strand). Cytogenetic location: 7p15.3.
Variant type: single nucleotide variant.
Coding change: c.13420C>A on transcript NM_001277115.2 (MANE Select); coding-DNA position 13420, C replaced by A.
Protein change: p.Gln4474Lys; replaces glutamine 4474 with lysine.
Molecular consequence: missense variant. On other transcripts: 3 prime UTR variant (3).
Genome position (GRCh38, 1-based): chr7:21,901,123, C>A. VCF-style: chr7-21901123-C-A. GRCh37 (hg19) VCF-style: chr7-21940741-C-A.
Other names: c.*1199G>T (NM_001127370.3, NM_001127371.3, NM_018719.5); short protein forms Q4474K.
Identifiers: ClinVar variation 1388713 (VCV001388713.5), dbSNP rs1467862243, ClinGen allele CA366957029.

ClinVar aggregate classification (germline): Uncertain significance. Review status: criteria provided, multiple submitters, no conflicts (2 of 4 stars). 2 submissions from 2 submitters: Uncertain significance (2). Last evaluated 2025-07-13.

Conditions:
Primary ciliary dyskinesia. Also called: Ciliary dyskinesia. Identifiers: Orphanet 244, MedGen C0008780, MONDO:0016575, HP:0012265.

Allele frequency attached by ClinVar (database versions not stated): TOPMed below 0.00001; gnomAD exomes 0.00002.
gnomAD v4.1: 6 of 1,613,932 alleles (0.00037%); highest among the groups gnomAD compares: Admixed American, 0.0017%; no homozygotes.

Submissions (2):

Labcorp Genetics (formerly Invitae), Labcorp
Classification: Uncertain significance for Primary ciliary dyskinesia. Last evaluated: 2025-07-13. Review status: criteria provided, single submitter. Criteria: Invitae Variant Classification Sherloc (09022015). Collection method: clinical testing. Allele origin: germline.
Comment: This sequence change replaces glutamine, which is neutral and polar, with lysine, which is basic and polar, at codon 4474 of the DNAH11 protein (p.Gln4474Lys). This variant is present in population databases (no rsID available, gnomAD 0.003%). This variant has not been reported in the literature in individuals affected with DNAH11-related conditions. ClinVar contains an entry for this variant (Variation ID: 1388713). Invitae Evidence Modeling of protein sequence and biophysical properties (such as structural, functional, and spatial information, amino acid conservation, physicochemical variation, residue mobility, and thermodynamic stability) indicates that this missense variant is not expected to disrupt DNAH11 protein function with a negative predictive value of 95%. In summary, the available evidence is currently insufficient to determine the role of this variant in disease. Therefore, it has been classified as a Variant of Uncertain Significance.

Blueprint Genetics
Classification: Uncertain significance. Last evaluated: 2022-02-09. Review status: criteria provided, single submitter. Criteria: ACMG Guidelines, 2015. Collection method: clinical testing. Allele origin: germline.